The following is an entry in ClinVar:

NM_152703.5(SAMD9L):c.2497T>G (p.Leu833Val)

Gene: SAMD9L (sterile alpha motif domain containing 9 like; minus strand). Cytogenetic location: 7q21.2.
Variant type: single nucleotide variant.
Coding change: c.2497T>G on transcript NM_152703.5 (MANE Select); coding-DNA position 2497, T replaced by G.
Protein change: p.Leu833Val; replaces leucine 833 with valine.
Molecular consequence: missense variant.
Genome position (GRCh38, 1-based): chr7:93,133,475, A>C on the plus strand (T>G on the coding strand, the complement: SAMD9L is on the minus strand). VCF-style: chr7-93133475-A-C. GRCh37 (hg19) VCF-style: chr7-92762788-A-C.
Other names: c.2497T>G, p.Leu833Val (NM_001303496.3, NM_001303497.3, NM_001303498.3 and 5 more transcripts); short protein forms L833V.
Identifiers: ClinVar variation 5028909 (VCV005028909.1).

ClinVar aggregate classification (germline): Uncertain significance (1 of 4 stars; one submission).

Conditions:
Inborn genetic diseases. Identifiers: MedGen C0950123, MeSH D030342.

Submission:

Ambry Genetics
Classification: Uncertain significance for Inborn genetic diseases. Last evaluated: 2026-07-25. Review status: criteria provided, single submitter. Criteria: Ambry Variant Classification Scheme 2023. Collection method: clinical testing. Allele origin: germline.
Comment: The p.L833V variant (also known as c.2497T>G), located in coding exon 1 of the SAMD9L gene, results from a T to G substitution at nucleotide position 2497. The leucine at codon 833 is replaced by valine, an amino acid with highly similar properties. This amino acid position is conserved. In addition, this alteration is predicted to be tolerated by in silico analysis. Based on the available evidence, the clinical significance of this variant remains unclear.